The following is an entry in ClinVar:

ClinVar aggregate classification (germline): Benign (1 of 4 stars; one submission).

gnomAD v4.1: 18,592 of 1,612,884 alleles (1.2%); highest among the groups gnomAD compares: Middle Eastern, 2.5%; 126 homozygotes.

Submissions (23):

CeGaT Center for Human Genetics Tuebingen
Classification: Benign. Last evaluated: 2025-07-01. Review status: criteria provided, single submitter. Criteria: CeGaT Center For Human Genetics Tuebingen Variant Classification Criteria Version 2. Collection method: clinical testing. Allele origin: germline. Affected: yes. Observed: 1 variant allele.
Comment: NPNT: BS1, BS2

Dr. Peter K. Rogan Lab, Western University
No classification provided (evidence only). Condition: Clear cell carcinoma of kidney. Review status: no classification provided. Collection method: in vitro. Allele origin: not applicable. Functional consequence: retained intron. Not counted in ClinVar's aggregate classification.

Dr. Peter K. Rogan Lab, Western University
No classification provided (evidence only). Condition: Lung cancer. Review status: no classification provided. Collection method: in vitro. Allele origin: not applicable. Functional consequence: skipped exon. Not counted in ClinVar's aggregate classification.

Dr. Peter K. Rogan Lab, Western University
No classification provided (evidence only). Condition: Lung cancer. Review status: no classification provided. Collection method: in vitro. Allele origin: not applicable. Functional consequence: skipped exon. Not counted in ClinVar's aggregate classification.

Dr. Peter K. Rogan Lab, Western University
No classification provided (evidence only). Condition: Lung cancer. Review status: no classification provided. Collection method: in vitro. Allele origin: not applicable. Functional consequence: skipped exon, retained intron. Not counted in ClinVar's aggregate classification.

Dr. Peter K. Rogan Lab, Western University
No classification provided (evidence only). Condition: Thyroid cancer, nonmedullary, 1. Review status: no classification provided. Collection method: in vitro. Allele origin: not applicable. Functional consequence: skipped exon. Not counted in ClinVar's aggregate classification.

Dr. Peter K. Rogan Lab, Western University
No classification provided (evidence only). Condition: Cervical cancer. Review status: no classification provided. Collection method: in vitro. Allele origin: not applicable. Functional consequence: retained intron. Not counted in ClinVar's aggregate classification.

Dr. Peter K. Rogan Lab, Western University
No classification provided (evidence only). Condition: Sarcoma. Review status: no classification provided. Collection method: in vitro. Allele origin: not applicable. Functional consequence: skipped exon, retained intron. Not counted in ClinVar's aggregate classification.

Dr. Peter K. Rogan Lab, Western University
No classification provided (evidence only). Condition: Sarcoma. Review status: no classification provided. Collection method: in vitro. Allele origin: not applicable. Functional consequence: skipped exon, retained intron. Not counted in ClinVar's aggregate classification.

Dr. Peter K. Rogan Lab, Western University
No classification provided (evidence only). Condition: Sarcoma. Review status: no classification provided. Collection method: in vitro. Allele origin: not applicable. Functional consequence: retained intron. Not counted in ClinVar's aggregate classification.

Dr. Peter K. Rogan Lab, Western University
No classification provided (evidence only). Condition: Sarcoma. Review status: no classification provided. Collection method: in vitro. Allele origin: not applicable. Functional consequence: retained intron. Not counted in ClinVar's aggregate classification.

Dr. Peter K. Rogan Lab, Western University
No classification provided (evidence only). Condition: Sarcoma. Review status: no classification provided. Collection method: in vitro. Allele origin: not applicable. Functional consequence: retained intron. Not counted in ClinVar's aggregate classification.

Dr. Peter K. Rogan Lab, Western University
No classification provided (evidence only). Condition: Thymoma. Review status: no classification provided. Collection method: in vitro. Allele origin: not applicable. Functional consequence: retained intron. Not counted in ClinVar's aggregate classification.

Dr. Peter K. Rogan Lab, Western University
No classification provided (evidence only). Condition: Ovarian serous cystadenocarcinoma. Review status: no classification provided. Collection method: in vitro. Allele origin: not applicable. Functional consequence: retained intron. Not counted in ClinVar's aggregate classification.

Dr. Peter K. Rogan Lab, Western University
No classification provided (evidence only). Condition: Ovarian serous cystadenocarcinoma. Review status: no classification provided. Collection method: in vitro. Allele origin: not applicable. Functional consequence: retained intron. Not counted in ClinVar's aggregate classification.

Dr. Peter K. Rogan Lab, Western University
No classification provided (evidence only). Condition: Ovarian serous cystadenocarcinoma. Review status: no classification provided. Collection method: in vitro. Allele origin: not applicable. Functional consequence: retained intron. Not counted in ClinVar's aggregate classification.

Dr. Peter K. Rogan Lab, Western University
No classification provided (evidence only). Condition: Gastric cancer. Review status: no classification provided. Collection method: in vitro. Allele origin: not applicable. Functional consequence: retained intron. Not counted in ClinVar's aggregate classification.

Dr. Peter K. Rogan Lab, Western University
No classification provided (evidence only). Condition: Gastric cancer. Review status: no classification provided. Collection method: in vitro. Allele origin: not applicable. Functional consequence: retained intron. Not counted in ClinVar's aggregate classification.

Dr. Peter K. Rogan Lab, Western University
No classification provided (evidence only). Condition: Gastric cancer. Review status: no classification provided. Collection method: in vitro. Allele origin: not applicable. Functional consequence: retained intron. Not counted in ClinVar's aggregate classification.

Dr. Peter K. Rogan Lab, Western University
No classification provided (evidence only). Condition: Gastric cancer. Review status: no classification provided. Collection method: in vitro. Allele origin: not applicable. Functional consequence: retained intron. Not counted in ClinVar's aggregate classification.

Dr. Peter K. Rogan Lab, Western University
No classification provided (evidence only). Condition: Gastric cancer. Review status: no classification provided. Collection method: in vitro. Allele origin: not applicable. Functional consequence: retained intron. Not counted in ClinVar's aggregate classification.

Dr. Peter K. Rogan Lab, Western University
No classification provided (evidence only). Condition: Malignant tumor of esophagus. Review status: no classification provided. Collection method: in vitro. Allele origin: not applicable. Functional consequence: retained intron. Not counted in ClinVar's aggregate classification.

Dr. Peter K. Rogan Lab, Western University
No classification provided (evidence only). Condition: Malignant tumor of esophagus. Review status: no classification provided. Collection method: in vitro. Allele origin: not applicable. Functional consequence: retained intron. Not counted in ClinVar's aggregate classification.

NM_001033047.3(NPNT):c.204A>G (p.Glu68=)

Gene: NPNT (nephronectin; plus strand). Cytogenetic location: 4q24.
Variant type: single nucleotide variant.
Coding change: c.204A>G on transcript NM_001033047.3 (MANE Select); coding-DNA position 204, A replaced by G.
Protein change: p.Glu68=; no amino-acid change (glutamic acid 68 retained).
Molecular consequence: synonymous variant.
Genome position (GRCh38, 1-based): chr4:105,927,367, A>G. VCF-style: chr4-105927367-A-G. GRCh37 (hg19) VCF-style: chr4-106848524-A-G.
Other names: NC_000004.11:g.106848524A>G; c.255A>G, p.Glu85= (NM_001184690.2); c.204A>G, p.Glu68= (NM_001184691.2, NM_001184692.2, NM_001184693.2).
Identifiers: ClinVar variation 4083566 (VCV004083566.9).